The following is an entry in ClinVar:

NM_000059.4(BRCA2):c.1850C>G (p.Ser617Ter)

Gene: BRCA2 (BRCA2 DNA repair associated; plus strand). Cytogenetic location: 13q13.1.
Variant type: single nucleotide variant.
Coding change: c.1850C>G on transcript NM_000059.4 (MANE Select); coding-DNA position 1850, C replaced by G.
Protein change: p.Ser617Ter; replaces serine 617 with a stop codon.
Molecular consequence: nonsense.
Genome position (GRCh38, 1-based): chr13:32,333,328, C>G. VCF-style: chr13-32333328-C-G. GRCh37 (hg19) VCF-style: chr13-32907465-C-G.
Other names: 2078C>G; short protein forms S617*.
Identifiers: ClinVar variation 37766 (VCV000037766.10), dbSNP rs397507278, ClinGen allele CA013573.

ClinVar aggregate classification (germline): Pathogenic. Review status: reviewed by expert panel (3 of 4 stars). 6 submissions from 6 submitters: Pathogenic (1). 5 of the submissions do not count toward it. Last evaluated 2016-09-08.

Conditions:
Hereditary cancer-predisposing syndrome. Also called: Tumor predisposition; Neoplastic Syndromes, Hereditary; Hereditary Cancer Syndrome; Hereditary neoplastic syndrome. Identifiers: Orphanet 140162, MedGen C0027672, MeSH D009386, MONDO:0015356.
Hereditary breast ovarian cancer syndrome. Also called: Hereditary breast and ovarian cancer syndrome (HBOC); Hereditary breast and ovarian cancer syndrome; Hereditary breast and ovarian cancer; Hereditary breast and/or ovarian cancer syndrome; Breast and ovarian cancer; BRCA1- and BRCA2-Associated Hereditary Breast and Ovarian Cancer. Identifiers: Orphanet 145, MedGen C0677776, MeSH D061325, MONDO:0003582. Disease mechanism: loss of function.
Breast-ovarian cancer, familial, susceptibility to, 2 (BROVCA2). Also called: BRCA2 Hereditary Breast and Ovarian Cancer. Identifiers: Orphanet 145, MedGen C2675520, MONDO:0012933, OMIM 612555. Disease mechanism: loss of function.
Breast-ovarian cancer, familial, susceptibility to, 1 (BROVCA1). Also called: OVARIAN CANCER, SUSCEPTIBILITY TO; BRCA1 Hereditary Breast and Ovarian Cancer. Identifiers: Orphanet 145, MedGen C2676676, MONDO:0011450, OMIM 604370. Disease mechanism: loss of function.

Submissions (6):

Evidence-based Network for the Interpretation of Germline Mutant Alleles (ENIGMA)
Classification: Pathogenic for Breast-ovarian cancer, familial, susceptibility to, 2. Last evaluated: 2016-09-08. Review status: reviewed by expert panel. Criteria: ENIGMA BRCA1/2 Classification Criteria (2015). Collection method: curation. Allele origin: germline.
Comment: Variant allele predicted to encode a truncated non-functional protein.

Labcorp Genetics (formerly Invitae), Labcorp
Classification: Pathogenic for Hereditary breast ovarian cancer syndrome. Last evaluated: 2026-01-12. Review status: criteria provided, single submitter. Criteria: Invitae Variant Classification Sherloc (09022015). Collection method: clinical testing. Allele origin: germline. Not counted in ClinVar's aggregate classification.
Comment: This sequence change creates a premature translational stop signal (p.Ser617*) in the BRCA2 gene. It is expected to result in an absent or disrupted protein product. Loss-of-function variants in BRCA2 are known to be pathogenic (PMID: 20104584). This variant is not present in population databases (gnomAD no frequency). This variant has not been reported in the literature in individuals affected with BRCA2-related conditions. ClinVar contains an entry for this variant (Variation ID: 37766). For these reasons, this variant has been classified as Pathogenic.

Institute of Immunology and Genetics Kaiserslautern
Classification: Pathogenic for Breast-ovarian cancer, familial, susceptibility to, 1. Last evaluated: 2024-10-10. Review status: criteria provided, single submitter. Criteria: ACMG Guidelines, 2015. Collection method: clinical testing. Allele origin: germline. Affected: yes. Not counted in ClinVar's aggregate classification.
Comment: ACMG Criteria: PVS1, PM2, PP5_m; Variant was found in heterozygous state

Ambry Genetics
Classification: Pathogenic for Hereditary cancer-predisposing syndrome. Last evaluated: 2024-10-01. Review status: criteria provided, single submitter. Criteria: Ambry Variant Classification Scheme 2023. Collection method: clinical testing. Allele origin: germline. Not counted in ClinVar's aggregate classification.
Comment: The p.S617* pathogenic mutation (also known as c.1850C>G), located in coding exon 9 of the BRCA2 gene, results from a C to G substitution at nucleotide position 1850. This changes the amino acid from a serine to a stop codon within coding exon 9. This variant is considered to be rare based on population cohorts in the Genome Aggregation Database (gnomAD). This alteration is expected to result in loss of function by premature protein truncation or nonsense-mediated mRNA decay. As such, this alteration is interpreted as a disease-causing mutation.

Consortium of Investigators of Modifiers of BRCA1/2 (CIMBA), c/o University of Cambridge
Classification: Pathogenic for Breast-ovarian cancer, familial, susceptibility to, 2. Last evaluated: 2015-10-02. Review status: criteria provided, single submitter. Criteria: CIMBA Mutation Classification guidelines May 2016. Collection method: clinical testing. Allele origin: germline. Not counted in ClinVar's aggregate classification.

Sharing Clinical Reports Project (SCRP)
Classification: Pathogenic for Breast-ovarian cancer, familial 2. Last evaluated: 2010-08-18. Review status: no assertion criteria provided. Collection method: clinical testing. Allele origin: germline. Not counted in ClinVar's aggregate classification.

Literature cited by the submitters: PubMed 20104584 (cited by Labcorp Genetics (formerly Invitae), Labcorp).